The following is an entry in ClinVar:

ClinVar aggregate classification (germline): Pathogenic/Likely pathogenic. Review status: criteria provided, multiple submitters, no conflicts (2 of 4 stars). 2 submissions from 2 submitters: Pathogenic (1); Likely pathogenic (1). Last evaluated 2025-11-26.

Conditions:
Retinitis pigmentosa 28 (RP28). Identifiers: Orphanet 791, MedGen C1419614, MONDO:0011630, OMIM 606068.

Submissions (2):

Dasa
Classification: Likely pathogenic for Retinitis pigmentosa 28. Last evaluated: 2025-11-26. Review status: criteria provided, single submitter. Criteria: DASA Assertion Criteria. Collection method: clinical testing. Allele origin: germline.
Comment: NM_001201543.2(FAM161A):c.1485dup (p.Lys496*) is a frameshift variant in FAM161A predicted to alter the reading frame and introduce a premature termination codon and is predicted to result in an absent or altered protein product. Loss of function is an established disease mechanism for FAM161A-associated disorders. Also, this variant is absent from population databases. Based on the currently available evidence, this variant is classified as likely pathogenic.

Labcorp Genetics (formerly Invitae), Labcorp
Classification: Pathogenic. Last evaluated: 2021-11-09. Review status: criteria provided, single submitter. Criteria: Invitae Variant Classification Sherloc (09022015). Collection method: clinical testing. Allele origin: germline.
Comment: This variant has not been reported in the literature in individuals affected with FAM161A-related conditions. This sequence change creates a premature translational stop signal (p.Lys496*) in the FAM161A gene. It is expected to result in an absent or disrupted protein product. Loss-of-function variants in FAM161A are known to be pathogenic (PMID: 20705278, 20705279, 24651477). This variant is not present in population databases (gnomAD no frequency). For these reasons, this variant has been classified as Pathogenic.

Literature cited by the submitters: PubMed 20705278 (cited by Labcorp Genetics (formerly Invitae), Labcorp); PubMed 20705279 (cited by Labcorp Genetics (formerly Invitae), Labcorp); PubMed 24651477 (cited by Labcorp Genetics (formerly Invitae), Labcorp).

NM_001201543.2(FAM161A):c.1485dup (p.Lys496Ter)

Gene: FAM161A (FAM161 centrosomal protein A; minus strand). Cytogenetic location: 2p15.
Variant type: Duplication.
Coding change: c.1485dup on transcript NM_001201543.2 (MANE Select); coding-DNA position 1485, one base duplicated (T; older notation c.1485dupT).
Protein change: p.Lys496Ter; replaces lysine 496 with a stop codon.
Molecular consequence: nonsense. On other transcripts: non-coding transcript variant (1).
Genome position (GRCh38, 1-based): chr2:61,839,519, A duplicated on the plus strand (T on the coding strand, the reverse complement: FAM161A is on the minus strand). VCF-style (leftmost placement, unchanged base first): chr2-61839518-T-TA. GRCh37 (hg19) VCF-style: chr2-62066653-T-TA.
Other names: c.1485dup, p.Lys496Ter (NM_032180.3); short protein forms K496*.
Identifiers: ClinVar variation 1455656 (VCV001455656.8), dbSNP rs2105080565, ClinGen allele CA2573135072.
Genomic context (GRCh38, chr2:61,839,518, plus strand): 5'-GCACGGGAGGGTTGCAGTTACAAGGCACAGGGTTTACACCTGCACATCTTACTGGTGACT[T>TA]ACGCCTTGGAGACAAATAAGGCCAACGTGTTTCTTTTAAATTTTCTTCATCTGCTTCGAT-3'